The following is an entry in ClinVar:

ClinVar aggregate classification (germline): Likely pathogenic (1 of 4 stars; one submission).

Submission:

Quest Diagnostics Nichols Institute San Juan Capistrano
Classification: Likely pathogenic. Last evaluated: 2024-10-28. Review status: criteria provided, single submitter. Criteria: Quest Diagnostics criteria. Collection method: clinical testing. Allele origin: unknown.
Comment: The NF1 c.7232_7234delinsTT (p.Asn2411Ilefs*8) variant alters the translational reading frame of the NF1 mRNA and is predicted to cause the premature termination of NF1 protein synthesis. This variant has not been reported in individuals with NF1-related conditions in the published literature. This variant has not been reported in large, multi-ethnic general populations (Genome Aggregation Database). Based on the available information, this variant is classified as likely pathogenic.

NM_001042492.3(NF1):c.7295_7297delinsTT (p.Asn2432fs)

Gene: NF1 (neurofibromin 1; plus strand). Cytogenetic location: 17q11.2.
Variant type: Indel.
Coding change: c.7295_7297delinsTT on transcript NM_001042492.3 (MANE Select); coding-DNA positions 7295 to 7297, ATA replaced by TT.
Protein change: p.Asn2432fs; shifts the reading frame from asparagine 2432.
Molecular consequence: frameshift variant.
Genome position (GRCh38, 1-based): chr17:31,349,225-31,349,227, ATA replaced by TT. VCF-style: chr17-31349225-ATA-TT. GRCh37 (hg19) VCF-style: chr17-29676243-ATA-TT.
Other names: c.7232_7234delATAinsTT, p.Asn2411Ilefs (NM_000267.4); short protein forms N2411fs, N2432fs.
Identifiers: ClinVar variation 3572050 (VCV003572050.1).